The following is an entry in ClinVar:

ClinVar aggregate classification (germline): Uncertain significance (1 of 4 stars; one submission).

Allele frequency attached by ClinVar (database versions not stated): gnomAD 0.00001; gnomAD exomes 0.00001; 1000 Genomes Project 0.00020; ExAC 0.00002; 1000 Genomes Project 30x 0.00016.

Submission:

CeGaT Center for Human Genetics Tuebingen
Classification: Uncertain significance. Last evaluated: 2024-03-01. Review status: criteria provided, single submitter. Criteria: CeGaT Center For Human Genetics Tuebingen Variant Classification Criteria Version 2. Collection method: clinical testing. Allele origin: germline. Affected: yes. Observed: 1 variant allele.
Comment: PXDN: PM2, BP4

NM_012293.3(PXDN):c.3848G>A (p.Arg1283Gln)

Gene: PXDN (peroxidasin; minus strand). Cytogenetic location: 2p25.3.
Variant type: single nucleotide variant.
Coding change: c.3848G>A on transcript NM_012293.3 (MANE Select); coding-DNA position 3848, G replaced by A.
Protein change: p.Arg1283Gln; replaces arginine 1283 with glutamine.
Molecular consequence: missense variant.
Genome position (GRCh38, 1-based): chr2:1,643,472, C>T on the plus strand (G>A on the coding strand, the complement: PXDN is on the minus strand). VCF-style: chr2-1643472-C-T. GRCh37 (hg19) VCF-style: chr2-1647244-C-T.
Other names: short protein forms R1283Q.
Identifiers: ClinVar variation 3067418 (VCV003067418.21), dbSNP rs534514319, ClinGen allele CA1512602.